The following is an entry in ClinVar:

Conditions:
Arteriohepatic dysplasia. Also called: Alagille Syndrome. Identifiers: Orphanet 52, MedGen C0085280, MeSH D016738, MONDO:0007318.

Submission:

Gilbert/Spinner Lab, Children's Hospital of Philadelphia
No classification provided (evidence only). Condition: Alagille syndrome. Review status: no classification provided. Collection method: research. Allele origin: not applicable. Functional consequence: functionally_abnormal.
ClinVar note: "not provided" was previously submitted as the classification for the variant. However, the classification appeared to be based only on an observation of functional data so it was converted to no classification on 2025-07-30.

NM_000214.3(JAG1):c.283G>C (p.Gly95Arg)

Gene: JAG1 (jagged canonical Notch ligand 1; minus strand). Cytogenetic location: 20p12.2.
Variant type: single nucleotide variant.
Coding change: c.283G>C on transcript NM_000214.3 (MANE Select); coding-DNA position 283, G replaced by C.
Protein change: p.Gly95Arg; replaces glycine 95 with arginine.
Molecular consequence: missense variant.
Genome position (GRCh38, 1-based): chr20:10,672,805, C>G on the plus strand (G>C on the coding strand, the complement: JAG1 is on the minus strand). VCF-style: chr20-10672805-C-G. GRCh37 (hg19) VCF-style: chr20-10653453-C-G.
Other names: short protein forms G95R.
Identifiers: ClinVar variation 3573439 (VCV003573439.2).